The following is an entry in ClinVar:

ClinVar aggregate classification (germline): Uncertain significance. Review status: criteria provided, single submitter (1 of 4 stars). 2 submissions from 2 submitters: Uncertain significance (1). 1 of the submissions does not count toward it. Last evaluated 2022-07-19.

Conditions:
Primary ciliary dyskinesia. Also called: Ciliary dyskinesia. Identifiers: Orphanet 244, MedGen C0008780, MONDO:0016575, HP:0012265.

Submissions (2):

Labcorp Genetics (formerly Invitae), Labcorp
Classification: Uncertain significance for Primary ciliary dyskinesia. Last evaluated: 2022-07-19. Review status: criteria provided, single submitter. Criteria: Invitae Variant Classification Sherloc (09022015). Collection method: clinical testing. Allele origin: germline.
Comment: This sequence change replaces phenylalanine, which is neutral and non-polar, with serine, which is neutral and polar, at codon 1639 of the DNAH5 protein (p.Phe1639Ser). This variant is not present in population databases (gnomAD no frequency). This variant has not been reported in the literature in individuals affected with DNAH5-related conditions. ClinVar contains an entry for this variant (Variation ID: 949560). Advanced modeling of protein sequence and biophysical properties (such as structural, functional, and spatial information, amino acid conservation, physicochemical variation, residue mobility, and thermodynamic stability) performed at Invitae indicates that this missense variant is expected to disrupt DNAH5 protein function. In summary, the available evidence is currently insufficient to determine the role of this variant in disease. Therefore, it has been classified as a Variant of Uncertain Significance.

Natera, Inc.
Classification: Uncertain significance for Primary ciliary dyskinesia. Last evaluated: 2020-11-07. Review status: no assertion criteria provided. Collection method: clinical testing. Allele origin: germline. Not counted in ClinVar's aggregate classification.

NM_001369.3(DNAH5):c.4916T>C (p.Phe1639Ser)

Genes: DNAH5 (dynein axonemal heavy chain 5; minus strand), LOC126807318 (MED14-independent group 3 enhancer GRCh37_chr5:13858976-13860175; plus strand). Cytogenetic location: 5p15.2.
Variant type: single nucleotide variant.
Coding change: c.4916T>C on transcript NM_001369.3 (MANE Select); coding-DNA position 4916, T replaced by C.
Protein change: p.Phe1639Ser; replaces phenylalanine 1639 with serine.
Molecular consequence: missense variant.
Genome position (GRCh38, 1-based): chr5:13,859,486, A>G on the plus strand (T>C on the coding strand, the complement: DNAH5 is on the minus strand). VCF-style: chr5-13859486-A-G. GRCh37 (hg19) VCF-style: chr5-13859595-A-G.
Other names: short protein forms F1639S.
Identifiers: ClinVar variation 949560 (VCV000949560.8), dbSNP rs1768079158, ClinGen allele CA359219534.